The following is an entry in ClinVar:

ClinVar aggregate classification (germline): Benign. Review status: criteria provided, multiple submitters, no conflicts (2 of 4 stars). 2 submissions from 2 submitters: Benign (2). Last evaluated 2026-07-01.

Conditions:
Familial acute necrotizing encephalopathy (IIAE3). Also called: Susceptibility to Acute Necrotizing Encephalopathy 1; ENCEPHALOPATHY, ACUTE, INFECTION-INDUCED, SUSCEPTIBILITY TO, 3. Identifiers: Orphanet 88619, MedGen C2675556, MONDO:0011953, OMIM 608033.

Allele frequency attached by ClinVar (database versions not stated): 1000 Genomes Project 30x 0.00172; TOPMed 0.00176; 1000 Genomes Project 0.00220; gnomAD 0.00270 and 0.00273; ESP Exome Variant Server 0.00277; gnomAD exomes 0.00283 and 0.00345; ExAC 0.00311.
gnomAD v4.1: 5,413 of 1,611,682 alleles (0.34%); highest among the groups gnomAD compares: South Asian, 0.4%; 15 homozygotes.

Submissions (7):

CeGaT Center for Human Genetics Tuebingen
Classification: Benign. Last evaluated: 2026-07-01. Review status: criteria provided, single submitter. Criteria: CeGaT Center For Human Genetics Tuebingen Variant Classification Criteria Version 2. Collection method: clinical testing. Allele origin: germline. Affected: yes. Observed: 9 variant alleles.
Comment: RANBP2: BP4, BS1, BS2

Labcorp Genetics (formerly Invitae), Labcorp
Classification: Benign for Familial acute necrotizing encephalopathy. Last evaluated: 2025-07-07. Review status: criteria provided, single submitter. Criteria: Invitae Variant Classification Sherloc (09022015). Collection method: clinical testing. Allele origin: germline.

Dr. Peter K. Rogan Lab, Western University
No classification provided (evidence only). Condition: Familial cancer of breast. Review status: no classification provided. Collection method: in vitro. Allele origin: not applicable. Functional consequence: retained intron. Not counted in ClinVar's aggregate classification.

Dr. Peter K. Rogan Lab, Western University
No classification provided (evidence only). Condition: Acute myeloid leukemia. Review status: no classification provided. Collection method: in vitro. Allele origin: not applicable. Functional consequence: retained intron. Not counted in ClinVar's aggregate classification.

Dr. Peter K. Rogan Lab, Western University
No classification provided (evidence only). Condition: Cervical cancer. Review status: no classification provided. Collection method: in vitro. Allele origin: not applicable. Functional consequence: retained intron. Not counted in ClinVar's aggregate classification.

Dr. Peter K. Rogan Lab, Western University
No classification provided (evidence only). Condition: Ovarian serous cystadenocarcinoma. Review status: no classification provided. Collection method: in vitro. Allele origin: not applicable. Functional consequence: retained intron. Not counted in ClinVar's aggregate classification.

Dr. Peter K. Rogan Lab, Western University
No classification provided (evidence only). Condition: Malignant tumor of esophagus. Review status: no classification provided. Collection method: in vitro. Allele origin: not applicable. Functional consequence: retained intron. Not counted in ClinVar's aggregate classification.

NM_006267.5(RANBP2):c.7850-6T>G

Gene: RANBP2 (RAN binding protein 2; plus strand). Cytogenetic location: 2q13.
Variant type: single nucleotide variant.
Coding change: c.7850-6T>G on transcript NM_006267.5 (MANE Select); 6 bases into the intron before coding-DNA position 7850, T replaced by G.
Molecular consequence: intron variant.
Genome position (GRCh38, 1-based): chr2:108,771,695, T>G. VCF-style: chr2-108771695-T-G. GRCh37 (hg19) VCF-style: chr2-109388151-T-G.
Identifiers: ClinVar variation 469490 (VCV000469490.36), dbSNP rs183569993, ClinGen allele CA1823687.